The following is an entry in ClinVar:

NM_001042492.3(NF1):c.3533C>G (p.Thr1178Arg)

Gene: NF1 (neurofibromin 1; plus strand). Cytogenetic location: 17q11.2.
Variant type: single nucleotide variant.
Coding change: c.3533C>G on transcript NM_001042492.3 (MANE Select); coding-DNA position 3533, C replaced by G.
Protein change: p.Thr1178Arg; replaces threonine 1178 with arginine.
Molecular consequence: missense variant.
Genome position (GRCh38, 1-based): chr17:31,233,038, C>G. VCF-style: chr17-31233038-C-G. GRCh37 (hg19) VCF-style: chr17-29560056-C-G.
Other names: c.3533C>G, p.Thr1178Arg (NM_000267.4); short protein forms T1178R.
Identifiers: ClinVar variation 1692329 (VCV001692329.3), dbSNP rs1555615025, ClinGen allele CA398989864.

ClinVar aggregate classification (germline): Uncertain significance. Review status: criteria provided, multiple submitters, no conflicts (2 of 4 stars). 2 submissions from 2 submitters: Uncertain significance (2). Last evaluated 2022-05-03.

Conditions:
Hereditary cancer-predisposing syndrome. Also called: Hereditary Cancer Syndrome; Hereditary neoplastic syndrome; Neoplastic Syndromes, Hereditary; Tumor predisposition. Identifiers: Orphanet 140162, MedGen C0027672, MeSH D009386, MONDO:0015356.
Cardiovascular phenotype. Identifiers: MedGen CN230736.

Submissions (2):

Ambry Genetics
Classification: Uncertain significance for Cardiovascular phenotype; Hereditary cancer-predisposing syndrome. Last evaluated: 2022-05-03. Review status: criteria provided, single submitter. Criteria: Ambry Variant Classification Scheme 2023. Collection method: clinical testing. Allele origin: germline.
Comment: The p.T1178R variant (also known as c.3533C>G), located in coding exon 27 of the NF1 gene, results from a C to G substitution at nucleotide position 3533. The threonine at codon 1178 is replaced by arginine, an amino acid with similar properties. This amino acid position is conserved. In addition, this alteration is predicted to be deleterious by in silico analysis. Since supporting evidence is limited at this time, the clinical significance of this alteration remains unclear.

Sema4
Classification: Uncertain significance for Hereditary cancer-predisposing syndrome. Last evaluated: 2021-12-13. Review status: criteria provided, single submitter. Criteria: Sema4 Curation Guidelines. Collection method: curation. Allele origin: germline.
Comment: The NF1 c.3533C>G (p.T1178R) variant has not been reported in the literature to our knowledge. It was not observed in the large and broad cohorts of the Genome Aggregation Database. It has not been reported in ClinVar. Functional studies have not been performed, and in silico predictions of the variant's effect on protein function are inconclusive. The evidence is insufficient to meet ACMG/AMP criteria for classifying the variant as benign or pathogenic. Thus, the clinical significance of this variant is currently uncertain.